The following is an entry in ClinVar:

NC_000019.9:g.(?_48821624)_(48822028_?)del

Gene: ODAD1 (outer dynein arm docking complex subunit 1; minus strand). Cytogenetic location: 19q13.33.
Variant type: Deletion.
Identifiers: ClinVar variation 2427292 (VCV002427292.12).

ClinVar aggregate classification (germline): Pathogenic (1 of 4 stars; one submission).

Conditions:
Primary ciliary dyskinesia. Also called: Ciliary dyskinesia. Identifiers: Orphanet 244, MedGen C0008780, MONDO:0016575, HP:0012265.

Submission:

Labcorp Genetics (formerly Invitae), Labcorp
Classification: Pathogenic for Primary ciliary dyskinesia. Last evaluated: 2023-11-18. Review status: criteria provided, single submitter. Criteria: Invitae Variant Classification Sherloc (09022015). Collection method: clinical testing. Allele origin: germline.
Comment: This variant is a gross deletion of the genomic region encompassing exon(s) 2-3 of the CCDC114 gene, which includes the initiator codon. This deletion extends beyond the assayed region for this gene and therefore may encompass additional genes. It is expected to result in an absent or disrupted protein product. Loss-of-function variants in CCDC114 are known to be pathogenic (PMID: 23261302, 23261303). This variant has not been reported in the literature in individuals affected with CCDC114-related conditions. For these reasons, this variant has been classified as Pathogenic.

Literature cited by the submitters: PubMed 23261302; PubMed 23261303.